The following is an entry in ClinVar:

ClinVar aggregate classification (germline): Uncertain significance (1 of 4 stars; one submission).

Conditions:
Inborn genetic diseases. Identifiers: MedGen C0950123, MeSH D030342.

gnomAD v4.1: 2 of 1,593,200 alleles (0.00013%); highest among the groups gnomAD compares: Non-Finnish European, 0.00017%; no homozygotes.

Submission:

Ambry Genetics
Classification: Uncertain significance for Inborn genetic diseases. Last evaluated: 2025-09-19. Review status: criteria provided, single submitter. Criteria: Ambry Variant Classification Scheme 2023. Collection method: clinical testing. Allele origin: germline.
Comment: The p.E44Q variant (also known as c.130G>C), located in coding exon 3 of the RECQL4 gene, results from a G to C substitution at nucleotide position 130. The glutamic acid at codon 44 is replaced by glutamine, an amino acid with highly similar properties. This amino acid position is conserved. In addition, this alteration is predicted to be tolerated by in silico analysis. Based on the available evidence, the clinical significance of this variant remains unclear.

NM_004260.4(RECQL4):c.130G>C (p.Glu44Gln)

Genes: RECQL4 (RecQ like helicase 4; minus strand), LOC130001411 (ATAC-STARR-seq lymphoblastoid silent region 19699; plus strand). Cytogenetic location: 8q24.3.
Variant type: single nucleotide variant.
Coding change: c.130G>C on transcript NM_004260.4 (MANE Select); coding-DNA position 130, G replaced by C.
Protein change: p.Glu44Gln; replaces glutamic acid 44 with glutamine.
Molecular consequence: missense variant. On other transcripts: 5 prime UTR variant (16), non-coding transcript variant (3), intron variant (2).
Genome position (GRCh38, 1-based): chr8:144,517,497, C>G on the plus strand (G>C on the coding strand, the complement: RECQL4 is on the minus strand). VCF-style: chr8-144517497-C-G. GRCh37 (hg19) VCF-style: chr8-145742881-C-G.
Other names: c.130G>C, p.Glu44Gln (NM_001413017.1, NM_001413018.1, NM_001413019.1 and 5 more transcripts); c.-591G>C (NM_001413021.1); c.-942G>C (NM_001413022.1, NM_001413023.1, NM_001413037.1 and 2 more transcripts); c.-839G>C (NM_001413024.1, NM_001413035.1); c.-1004G>C (NM_001413027.1, NM_001413030.1, NM_001413031.1 and 1 more transcripts); c.-667G>C (NM_001413028.1); c.-901G>C (NM_001413032.1); c.-846G>C (NM_001413034.1); and 3 more; short protein forms E44Q.
Identifiers: ClinVar variation 4628924 (VCV004628924.1).